The following is an entry in ClinVar:

NM_001145809.2(MYH14):c.2110C>T (p.Arg704Cys)

Gene: MYH14 (myosin heavy chain 14; plus strand). Cytogenetic location: 19q13.33.
Variant type: single nucleotide variant.
Coding change: c.2110C>T on transcript NM_001145809.2 (MANE Select); coding-DNA position 2110, C replaced by T.
Protein change: p.Arg704Cys; replaces arginine 704 with cysteine.
Molecular consequence: missense variant.
Genome position (GRCh38, 1-based): chr19:50,257,364, C>T. VCF-style: chr19-50257364-C-T. GRCh37 (hg19) VCF-style: chr19-50760621-C-T.
Other names: c.2011C>T, p.Arg671Cys (NM_001077186.2); c.1987C>T, p.Arg663Cys (NM_024729.4); short protein forms R704C, R663C, R671C.
Identifiers: ClinVar variation 3004031 (VCV003004031.3), dbSNP rs1463314712, ClinGen allele CA406944524.

ClinVar aggregate classification (germline): Uncertain significance (1 of 4 stars; one submission).

Allele frequency attached by ClinVar (database versions not stated): gnomAD exomes below 0.00001; TOPMed below 0.00001; gnomAD 0.00001.
gnomAD v4.1: 3 of 1,608,560 alleles (0.00019%); highest among the groups gnomAD compares: Admixed American, 0.0017%; no homozygotes.

Submission:

Labcorp Genetics (formerly Invitae), Labcorp
Classification: Uncertain significance. Last evaluated: 2023-05-27. Review status: criteria provided, single submitter. Criteria: Invitae Variant Classification Sherloc (09022015). Collection method: clinical testing. Allele origin: germline.
Comment: This sequence change replaces arginine, which is basic and polar, with cysteine, which is neutral and slightly polar, at codon 663 of the MYH14 protein (p.Arg663Cys). This variant is not present in population databases (gnomAD no frequency). This variant has not been reported in the literature in individuals affected with MYH14-related conditions. Advanced modeling of protein sequence and biophysical properties (such as structural, functional, and spatial information, amino acid conservation, physicochemical variation, residue mobility, and thermodynamic stability) performed at Invitae indicates that this missense variant is expected to disrupt MYH14 protein function. In summary, the available evidence is currently insufficient to determine the role of this variant in disease. Therefore, it has been classified as a Variant of Uncertain Significance.